The following is an entry in ClinVar:

NM_000492.4(CFTR):c.4367G>A (p.Ser1456Asn)

Genes: CFTR (CF transmembrane conductance regulator; plus strand), LOC111674477 (CFTR intron 23 enhancer; plus strand). Cytogenetic location: 7q31.2.
Variant type: single nucleotide variant.
Coding change: c.4367G>A on transcript NM_000492.4 (MANE Select); coding-DNA position 4367, G replaced by A.
Protein change: p.Ser1456Asn; replaces serine 1456 with asparagine.
Molecular consequence: missense variant.
Genome position (GRCh38, 1-based): chr7:117,667,032, G>A. VCF-style: chr7-117667032-G-A. GRCh37 (hg19) VCF-style: chr7-117307086-G-A.
Other names: short protein forms S1456N.
Identifiers: ClinVar variation 824832 (VCV000824832.13), dbSNP rs983279303, ClinGen allele CA164961910.

ClinVar aggregate classification (germline): Conflicting classifications of pathogenicity. Review status: criteria provided, conflicting classifications (1 of 4 stars). 3 submissions from 3 submitters: Uncertain significance (1); Likely benign (1). 1 of the submissions does not count toward it. Last evaluated 2023-11-15.

Conditions:
Cystic fibrosis (CF). Also called: MUCOVISCIDOSIS. Identifiers: Orphanet 586, MedGen C0010674, MONDO:0009061, OMIM 219700. Disease mechanism: loss of function.

Allele frequency attached by ClinVar (database versions not stated): gnomAD 0.00001; TOPMed 0.00001.
gnomAD v4.1: 1 of 1,613,940 alleles (0.000062%); highest among the groups gnomAD compares: Non-Finnish European, 0.000085%; no homozygotes.

Submissions (3):

Ambry Genetics
Classification: Uncertain significance for Cystic fibrosis. Last evaluated: 2023-11-15. Review status: criteria provided, single submitter. Criteria: Ambry Variant Classification Scheme 2023. Collection method: clinical testing. Allele origin: germline.
Comment: The p.S1456N variant (also known as c.4367G>A), located in coding exon 27 of the CFTR gene, results from a G to A substitution at nucleotide position 4367. The serine at codon 1456 is replaced by asparagine, an amino acid with highly similar properties.This variant was identified in trans with a pathogenic mutation in the asymptomatic father and sibling of an individual with cystic fibrosis (Kenkov&aacute; P et al. J. Cyst. Fibros., 2013 Sep;12:532-7). This amino acid position is well conserved in available vertebrate species. In addition, the in silico prediction for this alteration is inconclusive. Based on available evidence to date, the clinical significance of this alteration remains unclear.

Labcorp Genetics (formerly Invitae), Labcorp
Classification: Likely benign for Cystic fibrosis. Last evaluated: 2023-09-15. Review status: criteria provided, single submitter. Criteria: Invitae Variant Classification Sherloc (09022015). Collection method: clinical testing. Allele origin: germline.

Natera, Inc.
Classification: Uncertain significance for Cystic Fibrosis. Last evaluated: 2020-09-16. Review status: no assertion criteria provided. Collection method: clinical testing. Allele origin: germline. Not counted in ClinVar's aggregate classification.

Literature cited by the submitters: PubMed 23276700 (cited by Ambry Genetics).